The following is an entry in ClinVar:

ClinVar aggregate classification (germline): Uncertain significance (1 of 4 stars; one submission).

Conditions:
Hypertrophic cardiomyopathy 10. Also called: CARDIOMYOPATHY, HYPERTROPHIC, MID-LEFT VENTRICULAR CHAMBER TYPE, 2; MYL2-Related Familial Hypertrophic Cardiomyopathy. Identifiers: MedGen C1834460, MONDO:0012112, OMIM 608758.

Allele frequency attached by ClinVar (database versions not stated): gnomAD exomes 0.00002 and 0.00005; TOPMed 0.00003; gnomAD 0.00004 and 0.00005; ExAC 0.00008.

Submission:

Labcorp Genetics (formerly Invitae), Labcorp
Classification: Uncertain significance for Hypertrophic cardiomyopathy 10. Last evaluated: 2023-12-20. Review status: criteria provided, single submitter. Criteria: Invitae Variant Classification Sherloc (09022015). Collection method: clinical testing. Allele origin: germline.
Comment: This sequence change falls in intron 4 of the MYL2 gene. It does not directly change the encoded amino acid sequence of the MYL2 protein. It affects a nucleotide within the consensus splice site. This variant is present in population databases (rs572538551, gnomAD 0.03%). This variant has not been reported in the literature in individuals affected with MYL2-related conditions. ClinVar contains an entry for this variant (Variation ID: 409233). Variants that disrupt the consensus splice site are a relatively common cause of aberrant splicing (PMID: 17576681, 9536098). Algorithms developed to predict the effect of sequence changes on RNA splicing suggest that this variant is not likely to affect RNA splicing. In summary, the available evidence is currently insufficient to determine the role of this variant in disease. Therefore, it has been classified as a Variant of Uncertain Significance.

Literature cited by the submitters: PubMed 17576681; PubMed 9536098.

NM_000432.4(MYL2):c.274+8_274+9insAT

Gene: MYL2 (myosin light chain 2; minus strand). Cytogenetic location: 12q24.11.
Variant type: Insertion.
Coding change: c.274+8_274+9insAT on transcript NM_000432.4 (MANE Select); bases 8 to 9 of the intron after coding-DNA position 274, AT inserted.
Molecular consequence: intron variant.
Genome position: GRCh38 VCF-style: chr12-110914177-C-CAT. GRCh37 (hg19) VCF-style: chr12-111351981-C-CAT.
Identifiers: ClinVar variation 409233 (VCV000409233.5), dbSNP rs572538551, ClinGen allele CA6788119.